The following is an entry in ClinVar:

NM_004385.5(VCAN):c.1270C>G (p.Pro424Ala)

Gene: VCAN (versican; plus strand). Cytogenetic location: 5q14.3.
Variant type: single nucleotide variant.
Coding change: c.1270C>G on transcript NM_004385.5 (MANE Select); coding-DNA position 1270, C replaced by G.
Protein change: p.Pro424Ala; replaces proline 424 with alanine.
Molecular consequence: missense variant. On other transcripts: intron variant (2).
Genome position (GRCh38, 1-based): chr5:83,519,576, C>G. VCF-style: chr5-83519576-C-G. GRCh37 (hg19) VCF-style: chr5-82815395-C-G.
Other names: c.1270C>G, p.Pro424Ala (NM_001164098.2); c.1042+7180C>G (NM_001164097.2, NM_001126336.3); short protein forms P424A.
Identifiers: ClinVar variation 4731803 (VCV004731803.1).

ClinVar aggregate classification (germline): Uncertain significance (1 of 4 stars; one submission).

gnomAD v4.1: 1 of 1,614,142 alleles (0.000062%); highest among the groups gnomAD compares: South Asian, 0.0011%; no homozygotes.

Submission:

Labcorp Genetics (formerly Invitae), Labcorp
Classification: Uncertain significance. Last evaluated: 2025-12-03. Review status: criteria provided, single submitter. Criteria: Invitae Variant Classification Sherloc (09022015). Collection method: clinical testing. Allele origin: germline.
Comment: This sequence change replaces proline, which is neutral and non-polar, with alanine, which is neutral and non-polar, at codon 424 of the VCAN protein (p.Pro424Ala). This variant is not present in population databases (gnomAD no frequency). This variant has not been reported in the literature in individuals affected with VCAN-related conditions. An algorithm developed to predict the effect of missense changes on protein structure and function (PolyPhen-2) suggests that this variant is likely to be tolerated. In summary, the available evidence is currently insufficient to determine the role of this variant in disease. Therefore, it has been classified as a Variant of Uncertain Significance.